The following is an entry in ClinVar:

ClinVar aggregate classification (germline): Likely benign. Review status: criteria provided, multiple submitters, no conflicts (2 of 4 stars). 2 submissions from 2 submitters: Likely benign (2). Last evaluated 2026-08-01.

Allele frequency attached by ClinVar (database versions not stated): 1000 Genomes Project 0.00280; gnomAD 0.00404; ExAC 0.00555; TOPMed 0.00408; gnomAD exomes 0.00504; 1000 Genomes Project 30x 0.00234; ESP Exome Variant Server 0.00569.
gnomAD v4.1: 9,049 of 1,613,916 alleles (0.56%); highest among the groups gnomAD compares: Middle Eastern, 1.1%; 39 homozygotes.

Submissions (2):

CeGaT Center for Human Genetics Tuebingen
Classification: Likely benign. Last evaluated: 2026-08-01. Review status: criteria provided, single submitter. Criteria: CeGaT Center For Human Genetics Tuebingen Variant Classification Criteria Version 2. Collection method: clinical testing. Allele origin: germline. Affected: yes. Observed: 29 variant alleles.
Comment: NTRK1: BS2; SH2D2A: BP4, BP7, BS2

Breakthrough Genomics
Classification: Likely benign. Review status: criteria provided, single submitter. Criteria: ACMG Guidelines, 2015. Collection method: not provided. Allele origin: germline. Inheritance: Unknown mechanism. Affected: yes.

NM_003975.4(SH2D2A):c.111G>C (p.Leu37=)

Genes: SH2D2A (SH2 domain containing 2A; minus strand), NTRK1 (neurotrophic receptor tyrosine kinase 1; plus strand). Cytogenetic location: 1q23.1.
Variant type: single nucleotide variant.
Coding change: c.111G>C on transcript NM_003975.4 (MANE Select); coding-DNA position 111, G replaced by C.
Protein change: p.Leu37=; no amino-acid change (leucine 37 retained).
Molecular consequence: synonymous variant. On other transcripts: intron variant (1).
Genome position (GRCh38, 1-based): chr1:156,816,018, C>G on the plus strand (G>C on the coding strand, the complement: SH2D2A is on the minus strand). VCF-style: chr1-156816018-C-G. GRCh37 (hg19) VCF-style: chr1-156785810-C-G.
Other names: c.111G>C, p.Leu37= (NM_001161441.2, NM_001161444.2); c.57G>C, p.Leu19= (NM_001161442.2); c.27G>C, p.Leu9= (NM_001161443.2); c.9+180C>G (NM_001007792.1).
Identifiers: ClinVar variation 1176211 (VCV001176211.35), dbSNP rs145574758, ClinGen allele CA1167437.
Genomic context (GRCh38, chr1:156,816,018, plus strand): 5'-GAGAGATGAGGGAGCTGCACCACGCTGCCGCCCCAGGTTTCCACTCACCGCAGTGTAGCC[C>G]AGGTTCTGGCAGCTCCTGCGGGTCATGTCTGTGATCTGGAAGGTGCTGAAGGTTGGGATG-3'
Protein context (NP_003966.2, residues 27-47): TDMTRRSCQN[Leu37=]GYTAASPQAP